The following is an entry in ClinVar:

NM_017617.5(NOTCH1):c.1822T>C (p.Ser608Pro)

Gene: NOTCH1 (notch receptor 1; minus strand). Cytogenetic location: 9q34.3.
Variant type: single nucleotide variant.
Coding change: c.1822T>C on transcript NM_017617.5 (MANE Select); coding-DNA position 1822, T replaced by C.
Protein change: p.Ser608Pro; replaces serine 608 with proline.
Molecular consequence: missense variant.
Genome position (GRCh38, 1-based): chr9:136,515,564, A>G on the plus strand (T>C on the coding strand, the complement: NOTCH1 is on the minus strand). VCF-style: chr9-136515564-A-G. GRCh37 (hg19) VCF-style: chr9-139410016-A-G.
Other names: short protein forms S608P.
Identifiers: ClinVar variation 3406874 (VCV003406874.1).

ClinVar aggregate classification (germline): Uncertain significance (1 of 4 stars; one submission).

Conditions:
Familial thoracic aortic aneurysm and aortic dissection (TAAD). Also called: Thoracic aortic aneurysms and dissections. Identifiers: Orphanet 91387, MedGen C4707243, MONDO:0019625.

Submission:

Ambry Genetics
Classification: Uncertain significance for Familial thoracic aortic aneurysm and aortic dissection. Last evaluated: 2024-10-27. Review status: criteria provided, single submitter. Criteria: Ambry Variant Classification Scheme 2023. Collection method: clinical testing. Allele origin: germline.
Comment: The p.S608P variant (also known as c.1822T>C), located in coding exon 11 of the NOTCH1 gene, results from a T to C substitution at nucleotide position 1822. The serine at codon 608 is replaced by proline, an amino acid with similar properties. This amino acid position is conserved. In addition, this alteration is predicted to be tolerated by in silico analysis. Based on the available evidence, the clinical significance of this variant remains unclear.